The following is an entry in ClinVar:

ClinVar aggregate classification (germline): Uncertain significance (1 of 4 stars; one submission).

Allele frequency attached by ClinVar (database versions not stated): ExAC 0.00002; gnomAD 0.00002 and 0.00011; ESP Exome Variant Server 0.00008; TOPMed 0.00015.
gnomAD v4.1: 33 of 1,613,856 alleles (0.002%); highest among the groups gnomAD compares: Middle Eastern, 0.033%; no homozygotes.

Submission:

Labcorp Genetics (formerly Invitae), Labcorp
Classification: Uncertain significance. Last evaluated: 2025-08-18. Review status: criteria provided, single submitter. Criteria: Invitae Variant Classification Sherloc (09022015). Collection method: clinical testing. Allele origin: germline.
Comment: This sequence change replaces arginine, which is basic and polar, with histidine, which is basic and polar, at codon 974 of the MYO18B protein (p.Arg974His). This variant is present in population databases (rs373113816, gnomAD 0.003%). This variant has not been reported in the literature in individuals affected with MYO18B-related conditions. ClinVar contains an entry for this variant (Variation ID: 1410076). An algorithm developed to predict the effect of missense changes on protein structure and function (PolyPhen-2) suggests that this variant is likely to be disruptive. In summary, the available evidence is currently insufficient to determine the role of this variant in disease. Therefore, it has been classified as a Variant of Uncertain Significance.

NM_032608.7(MYO18B):c.2921G>A (p.Arg974His)

Gene: MYO18B (myosin XVIIIB; plus strand). Cytogenetic location: 22q12.1.
Variant type: single nucleotide variant.
Coding change: c.2921G>A on transcript NM_032608.7 (MANE Select); coding-DNA position 2921, G replaced by A.
Protein change: p.Arg974His; replaces arginine 974 with histidine.
Molecular consequence: missense variant.
Genome position (GRCh38, 1-based): chr22:25,828,910, G>A. VCF-style: chr22-25828910-G-A. GRCh37 (hg19) VCF-style: chr22-26224877-G-A.
Other names: c.2921G>A, p.Arg974His (NM_001318245.2); short protein forms R974H.
Identifiers: ClinVar variation 1410076 (VCV001410076.7), dbSNP rs373113816, ClinGen allele CA10160370.
Genomic context (GRCh38, chr22:25,828,910, plus strand): 5'-ACCAGGGCAAGGACCGGGCGGCCACCTTTGAGGAGCTGTGCCACAACTACGCCCATGAGC[G>A]CCTGCAGCTGCTGTTCTACCAGCGGACCTTTGTCTCCACGCTACAGCGATATCAAGAGGT-3'
Protein context (NP_115997.5, residues 964-984): EELCHNYAHE[Arg974His]LQLLFYQRTF